The following is an entry in ClinVar:

NM_001031689.3(PLAA):c.2098A>G (p.Ile700Val)

Gene: PLAA (phospholipase A2 activating protein; minus strand). Cytogenetic location: 9p21.2.
Variant type: single nucleotide variant.
Coding change: c.2098A>G on transcript NM_001031689.3 (MANE Select); coding-DNA position 2098, A replaced by G.
Protein change: p.Ile700Val; replaces isoleucine 700 with valine.
Molecular consequence: missense variant.
Genome position (GRCh38, 1-based): chr9:26,905,801, T>C on the plus strand (A>G on the coding strand, the complement: PLAA is on the minus strand). VCF-style: chr9-26905801-T-C. GRCh37 (hg19) VCF-style: chr9-26905799-T-C.
Other names: c.2029A>G, p.Ile677Val (NM_001321546.2); short protein forms I677V, I700V.
Identifiers: ClinVar variation 1389717 (VCV001389717.8), dbSNP rs748426225, ClinGen allele CA5014172.
Genomic context (GRCh38, chr9:26,905,801, plus strand): 5'-CAATGTTATGGTCTTTATGAAAACAAACAGAATAGTTCAGGGCCAATGTAGCCAGAGCAA[T>C]GTGAATGTTCTTATTGCTCCCTGATTTCAGTTCTATTGCATGGGACATCAGTGATTCCCT-3'
Protein context (NP_001026859.1, residues 690-710): LKSGSNKNIH[Ile700Val]ALATLALNYS

ClinVar aggregate classification (germline): Uncertain significance (1 of 4 stars; one submission).

Allele frequency attached by ClinVar (database versions not stated): gnomAD 0.00001; gnomAD exomes 0.00003 and 0.00004; ExAC 0.00006.
gnomAD v4.1: 38 of 1,614,062 alleles (0.0024%); highest among the groups gnomAD compares: South Asian, 0.04%; no homozygotes.

Submission:

Labcorp Genetics (formerly Invitae), Labcorp
Classification: Uncertain significance. Last evaluated: 2022-11-01. Review status: criteria provided, single submitter. Criteria: Invitae Variant Classification Sherloc (09022015). Collection method: clinical testing. Allele origin: germline.
Comment: This sequence change replaces isoleucine, which is neutral and non-polar, with valine, which is neutral and non-polar, at codon 700 of the PLAA protein (p.Ile700Val). This variant is present in population databases (rs748426225, gnomAD 0.04%). This variant has not been reported in the literature in individuals affected with PLAA-related conditions. ClinVar contains an entry for this variant (Variation ID: 1389717). Advanced modeling of protein sequence and biophysical properties (such as structural, functional, and spatial information, amino acid conservation, physicochemical variation, residue mobility, and thermodynamic stability) performed at Invitae indicates that this missense variant is not expected to disrupt PLAA protein function. In summary, the available evidence is currently insufficient to determine the role of this variant in disease. Therefore, it has been classified as a Variant of Uncertain Significance.